The following is an entry in ClinVar:

ClinVar aggregate classification (germline): Uncertain significance (1 of 4 stars; one submission).

Submission:

Labcorp Genetics (formerly Invitae), Labcorp
Classification: Uncertain significance. Last evaluated: 2022-06-14. Review status: criteria provided, single submitter. Criteria: Invitae Variant Classification Sherloc (09022015). Collection method: clinical testing. Allele origin: germline.
Comment: In summary, the available evidence is currently insufficient to determine the role of this variant in disease. Therefore, it has been classified as a Variant of Uncertain Significance. Algorithms developed to predict the effect of missense changes on protein structure and function are either unavailable or do not agree on the potential impact of this missense change (SIFT: "Tolerated"; PolyPhen-2: "Possibly Damaging"; Align-GVGD: "Class C0"). This variant has not been reported in the literature in individuals affected with ZNF341-related conditions. This variant is not present in population databases (gnomAD no frequency). This sequence change replaces valine, which is neutral and non-polar, with methionine, which is neutral and non-polar, at codon 233 of the ZNF341 protein (p.Val233Met).

NM_001282933.2(ZNF341):c.697G>A (p.Val233Met)

Gene: ZNF341 (zinc finger protein 341; plus strand). Cytogenetic location: 20q11.22.
Variant type: single nucleotide variant.
Coding change: c.697G>A on transcript NM_001282933.2 (MANE Select); coding-DNA position 697, G replaced by A.
Protein change: p.Val233Met; replaces valine 233 with methionine.
Molecular consequence: missense variant. On other transcripts: non-coding transcript variant (1).
Genome position (GRCh38, 1-based): chr20:33,753,379, G>A. VCF-style: chr20-33753379-G-A. GRCh37 (hg19) VCF-style: chr20-32341185-G-A.
Other names: c.427G>A, p.Val143Met (NM_001282935.2); c.697G>A, p.Val233Met (NM_032819.5); short protein forms V233M, V143M.
Identifiers: ClinVar variation 2002369 (VCV002002369.4), dbSNP rs749856958, ClinGen allele CA9819241.
Genomic context (GRCh38, chr20:33,753,379, plus strand): 5'-GGTGGGAACGGTGTGGTGGAGGTGTACAGTGCTGCTGCGCCCCTGGCTGGGAGTGGAACG[G>A]TGGAGATCCAGGCACTGGGGATGCAGCCCTACCCACCCCTAGAGGTGAGCAGAGGGGGCA-3'
Protein context (NP_001269862.1, residues 223-243): AAAPLAGSGT[Val233Met]EIQALGMQPY